The following is an entry in ClinVar:

ClinVar aggregate classification (germline): Uncertain significance. Review status: criteria provided, multiple submitters, no conflicts (2 of 4 stars). 3 submissions from 3 submitters: Uncertain significance (3). Last evaluated 2024-09-25.

Conditions:
Cardiomyopathy (CMYO). Also called: Cardiomyopathies. Identifiers: Orphanet 167848, MedGen C0878544, MONDO:0004994, HP:0001638. Inheritance: Various modes of inheritance.
Cardiovascular phenotype. Identifiers: MedGen CN230736.

Submissions (3):

Ambry Genetics
Classification: Uncertain significance for Cardiovascular phenotype. Last evaluated: 2024-09-25. Review status: criteria provided, single submitter. Criteria: Ambry Variant Classification Scheme 2023. Collection method: clinical testing. Allele origin: germline.
Comment: The c.7909_7911delGAA variant (also known as p.E2637del) is located in coding exon 52 of the RYR2 gene. This variant results from an in-frame GAA deletion at nucleotide positions 7909 to 7911. This results in the in-frame deletion of a glutamic acid at codon 2637. This amino acid position is highly conserved in available vertebrate species. In addition, this alteration is predicted to be deleterious by in silico analysis (Choi Y et al. PLoS ONE. 2012; 7(10):e46688). Based on the available evidence, the clinical significance of this variant remains unclear.

Color Diagnostics, LLC DBA Color Health
Classification: Uncertain significance for Cardiomyopathy. Last evaluated: 2023-04-28. Review status: criteria provided, single submitter. Criteria: ACMG Guidelines, 2015. Collection method: clinical testing. Allele origin: germline.
Comment: This variant causes an in-frame deletion in exon 52 of the RYR2 protein. To our knowledge, functional studies have not been reported for this variant. This variant has not been reported in individuals affected with RYR2-related disorders in the literature. This variant has been identified in 1/249236 chromosomes in the general population by the Genome Aggregation Database (gnomAD). The available evidence is insufficient to determine the role of this variant in disease conclusively. Therefore, this variant is classified as a Variant of Uncertain Significance.

Women's Health and Genetics/Laboratory Corporation of America, LabCorp
Classification: Uncertain significance. Last evaluated: 2020-05-11. Review status: criteria provided, single submitter. Criteria: LabCorp Variant Classification Summary - May 2015. Collection method: clinical testing. Allele origin: germline.
Comment: Variant summary: RYR2 c.7909_7911delGAA (p.Glu2637del) results in an in-frame deletion that is predicted to remove one glutamic acid from the encoded protein. The variant allele was found at a frequency of 4e-06 in 249236 control chromosomes (gnomAD). The available data on variant occurrences in the general population are insufficient to allow any conclusion about variant significance. To our knowledge, no occurrence of c.7909_7911delGAA in individuals affected with Arrhythmia and no experimental evidence demonstrating its impact on protein function have been reported. No clinical diagnostic laboratories have submitted clinical-significance assessments for this variant to ClinVar after 2014. Based on the evidence outlined above, the variant was classified as uncertain significance.

NM_001035.3(RYR2):c.7903GAA[2] (p.Glu2637del)

Gene: RYR2 (ryanodine receptor 2; plus strand). Cytogenetic location: 1q43.
Variant type: Microsatellite.
Coding change: c.7903GAA[2] on transcript NM_001035.3 (MANE Select); two copies in a row of the 3-base unit GAA starting at c.7903; the reference has three copies in a row; one copy, 3 bases deleted; also written c.7909_7911del.
Protein change: p.Glu2637del; deletes glutamic acid 2637.
Molecular consequence: inframe deletion.
Genome position (GRCh38, 1-based): chr1:237,654,358-237,654,360, GAA deleted; deleting any 3 consecutive bases within chr1:237,654,351-237,654,360 gives the same sequence; the position shown is the placement nearest the transcript's 3' end. VCF-style (leftmost placement, unchanged base first): chr1-237654350-CAGA-C. GRCh37 (hg19) VCF-style: chr1-237817650-CAGA-C.
Other names: c.7909_7911del (NM_001035.3); short protein forms E2637del.
Identifiers: ClinVar variation 921319 (VCV000921319.7), dbSNP rs1217786961, ClinGen allele CA529547123.